The following is an entry in ClinVar:

ClinVar aggregate classification (germline): Uncertain significance (1 of 4 stars; one submission).

Conditions:
Muscular dystrophy-dystroglycanopathy (congenital with impaired intellectual development), type B, 1. Also called: MUSCULAR DYSTROPHY, CONGENITAL, POMT1-RELATED; Muscular dystrophy-dystroglycanopathy (congenital with intellectual disability), type B1. Identifiers: MedGen C5436962, MONDO:0013159, OMIM 613155.
Muscular dystrophy-dystroglycanopathy (congenital with brain and eye anomalies), type A1 (MDDGA1). Also called: COD-MD SYNDROME; Muscular dystrophy-dystroglycanopathy (congenital with brain and eye anomalies), type A, 1; WALKER-WARBURG SYNDROME OR MUSCLE-EYE-BRAIN DISEASE, POMT1-RELATED; Hydrocephalus, agyria and retinal dysplasia; Hard +/- E syndrome; Warburg syndrome. Identifiers: Orphanet 588, Orphanet 899, MedGen C4284790, MONDO:0009364, OMIM 236670.
Autosomal recessive limb-girdle muscular dystrophy type 2K. Also called: MUSCULAR DYSTROPHY-DYSTROGLYCANOPATHY (LIMB-GIRDLE), TYPE C, 1; MUSCULAR DYSTROPHY, LIMB-GIRDLE, TYPE 2K. Identifiers: Orphanet 86812, MedGen C1836373, MONDO:0012248, OMIM 609308.

Submission:

Juno Genomics, Hangzhou Juno Genomics, Inc
Classification: Uncertain significance for Muscular dystrophy-dystroglycanopathy (congenital with impaired intellectual development), type B, 1; Muscular dystrophy-dystroglycanopathy (congenital with brain and eye anomalies), type A1; Autosomal recessive limb-girdle muscular dystrophy type 2K. Review status: criteria provided, single submitter. Criteria: ACMG Guidelines, 2015. Collection method: clinical testing. Allele origin: germline. Affected: yes.
Comment: Absent from controls (or at extremely low frequency if recessive) in Genome Aggregation Database, Exome Sequencing Project, 1000 Genomes Project, or Exome Aggregation Consortium.;Multiple lines of computational evidence support a deleterious effect on the gene or gene product (conservation, evolutionary, splicing impact, etc).;For recessive disorders, detected in trans with a pathogenic variant.

NM_001077365.2(POMT1):c.1190C>T (p.Ala397Val)

Gene: POMT1 (protein O-mannosyltransferase 1; plus strand). Cytogenetic location: 9q34.13.
Variant type: single nucleotide variant.
Coding change: c.1190C>T on transcript NM_001077365.2 (MANE Select); coding-DNA position 1190, C replaced by T.
Protein change: p.Ala397Val; replaces alanine 397 with valine.
Molecular consequence: missense variant. On other transcripts: non-coding transcript variant (10).
Genome position (GRCh38, 1-based): chr9:131,515,440, C>T. VCF-style: chr9-131515440-C-T. GRCh37 (hg19) VCF-style: chr9-134390827-C-T.
Other names: c.905C>T, p.Ala302Val (NM_001353199.2); c.734C>T, p.Ala245Val (NM_001353200.2); c.1178C>T, p.Ala393Val (NM_001374689.1); c.1190C>T, p.Ala397Val (NM_001374690.1, NM_001136113.2); c.839C>T, p.Ala280Val (NM_001374691.1, NM_001374692.1, NM_001374693.1 and 2 more transcripts); c.800C>T, p.Ala267Val (NM_001374695.1); c.59C>T, p.Ala20Val (NM_001411024.1); c.1256C>T, p.Ala419Val (NM_007171.4, NM_001353193.2); and 3 more; short protein forms A20V, A245V, A267V, A280V, A302V, A343V, A365V, A367V.
Identifiers: ClinVar variation 3382814 (VCV003382814.2).